The following is an entry in ClinVar:

ClinVar aggregate classification (germline): Likely benign (1 of 4 stars; one submission).

Allele frequency attached by ClinVar (database versions not stated): gnomAD 0.00001 and 0.00002; TOPMed 0.00003; 1000 Genomes Project 30x 0.00031.

Submission:

GeneDx
Classification: Likely benign. Last evaluated: 2016-04-06. Review status: criteria provided, single submitter. Criteria: GeneDx Variant Classification (06012015). Collection method: clinical testing. Allele origin: germline. Affected: yes.
Comment: This variant is considered likely benign or benign based on one or more of the following criteria: it is a conservative change, it occurs at a poorly conserved position in the protein, it is predicted to be benign by multiple in silico algorithms, and/or has population frequency not consistent with disease.

NM_001085411.3(NADK2):c.-48T>C

Genes: NADK2 (NAD kinase 2, mitochondrial; minus strand), LOC129993801 (ATAC-STARR-seq lymphoblastoid silent region 15972; plus strand). Cytogenetic location: 5p13.2.
Variant type: single nucleotide variant.
Coding change: c.-48T>C on transcript NM_001085411.3 (MANE Select); 48 bases upstream of the start codon, T replaced by C.
Molecular consequence: 5 prime UTR variant. On other transcripts: intron variant (2).
Genome position (GRCh38, 1-based): chr5:36,241,846, A>G on the plus strand (T>C on the coding strand, the complement: NADK2 is on the minus strand). VCF-style: chr5-36241846-A-G. GRCh37 (hg19) VCF-style: chr5-36241948-A-G.
Other names: c.-190+250T>C (NM_153013.5, NM_001287341.2).
Identifiers: ClinVar variation 385032 (VCV000385032.1), dbSNP rs1057522101, ClinGen allele CA16604952.